The following is an entry in ClinVar:

ClinVar aggregate classification (germline): Conflicting classifications of pathogenicity. Review status: criteria provided, conflicting classifications (1 of 4 stars). 2 submissions from 2 submitters: Uncertain significance (1); Likely benign (1). Last evaluated 2026-02-02.

Allele frequency attached by ClinVar (database versions not stated): ExAC 0.00010; gnomAD exomes 0.00011; ESP Exome Variant Server 0.00017.
gnomAD v4.1: 166 of 1,612,862 alleles (0.01%); highest among the groups gnomAD compares: South Asian, 0.014%; no homozygotes.

Submissions (2):

Labcorp Genetics (formerly Invitae), Labcorp
Classification: Uncertain significance. Last evaluated: 2026-02-02. Review status: criteria provided, single submitter. Criteria: Invitae Variant Classification Sherloc (09022015). Collection method: clinical testing. Allele origin: germline.
Comment: This sequence change replaces threonine, which is neutral and polar, with methionine, which is neutral and non-polar, at codon 917 of the DIAPH3 protein (p.Thr917Met). This variant is present in population databases (rs372502709, gnomAD 0.02%). This variant has not been reported in the literature in individuals affected with DIAPH3-related conditions. ClinVar contains an entry for this variant (Variation ID: 1432436). An algorithm developed to predict the effect of missense changes on protein structure and function outputs the following: PolyPhen-2: "Benign". The methionine amino acid residue is found in multiple mammalian species, which suggests that this missense change does not adversely affect protein function. In summary, the available evidence is currently insufficient to determine the role of this variant in disease. Therefore, it has been classified as a Variant of Uncertain Significance.

Ambry Genetics
Classification: Likely benign. Last evaluated: 2025-01-29. Review status: criteria provided, single submitter. Criteria: Ambry Variant Classification Scheme 2023. Collection method: clinical testing. Allele origin: germline.

NM_001042517.2(DIAPH3):c.2750C>T (p.Thr917Met)

Gene: DIAPH3 (diaphanous related formin 3; minus strand). Cytogenetic location: 13q21.2.
Variant type: single nucleotide variant.
Coding change: c.2750C>T on transcript NM_001042517.2 (MANE Select); coding-DNA position 2750, C replaced by T.
Protein change: p.Thr917Met; replaces threonine 917 with methionine.
Molecular consequence: missense variant.
Genome position (GRCh38, 1-based): chr13:59,839,436, G>A on the plus strand (C>T on the coding strand, the complement: DIAPH3 is on the minus strand). VCF-style: chr13-59839436-G-A. GRCh37 (hg19) VCF-style: chr13-60413570-G-A.
Other names: c.2717C>T, p.Thr906Met (NM_001258366.2); c.2612C>T, p.Thr871Met (NM_001258367.2); c.2540C>T, p.Thr847Met (NM_001258368.2); c.2750C>T, p.Thr917Met (NM_001258369.2); c.1961C>T, p.Thr654Met (NM_030932.4); c.2750C>T (NM_001042517.1); short protein forms T917M, T847M, T654M, T871M, T906M.
Identifiers: ClinVar variation 1432436 (VCV001432436.9), dbSNP rs372502709, ClinGen allele CA6996289.